The following is an entry in ClinVar:

NM_001128148.3(TFRC):c.574G>A (p.Val192Ile)

Gene: TFRC (transferrin receptor; minus strand). Cytogenetic location: 3q29.
Variant type: single nucleotide variant.
Coding change: c.574G>A on transcript NM_001128148.3 (MANE Select); coding-DNA position 574, G replaced by A.
Protein change: p.Val192Ile; replaces valine 192 with isoleucine.
Molecular consequence: missense variant. On other transcripts: 5 prime UTR variant (1).
Genome position (GRCh38, 1-based): chr3:196,072,013, C>T on the plus strand (G>A on the coding strand, the complement: TFRC is on the minus strand). VCF-style: chr3-196072013-C-T. GRCh37 (hg19) VCF-style: chr3-195798884-C-T.
Other names: c.331G>A, p.Val111Ile (NM_001313965.2); c.-273G>A (NM_001313966.2); c.574G>A, p.Val192Ile (NM_003234.4); short protein forms V192I, V111I.
Identifiers: ClinVar variation 2093807 (VCV002093807.4), dbSNP rs1319687705, ClinGen allele CA355576244.
Genomic context (GRCh38, chr3:196,072,013, plus strand): 5'-CCTGAAAATAGCTACTTGTATAAAAATAAGTTTACCATCTTTCAACATACCTGTCTTTGA[C>T]CTGAATCTTAACAAAATGTTGATCACGCCAGACTTTGCTGAGTTTAAATTCACGAAATTG-3'
Protein context (NP_001121620.1, residues 182-202): WRDQHFVKIQ[Val192Ile]KDSAQNSVII

ClinVar aggregate classification (germline): Uncertain significance (1 of 4 stars; one submission).

Allele frequency attached by ClinVar (database versions not stated): gnomAD 0.00001; TOPMed 0.00002.
gnomAD v4.1: 9 of 1,613,044 alleles (0.00056%); highest among the groups gnomAD compares: Non-Finnish European, 0.00076%; no homozygotes.

Submission:

Labcorp Genetics (formerly Invitae), Labcorp
Classification: Uncertain significance. Last evaluated: 2022-08-15. Review status: criteria provided, single submitter. Criteria: Invitae Variant Classification Sherloc (09022015). Collection method: clinical testing. Allele origin: germline.
Comment: In summary, the available evidence is currently insufficient to determine the role of this variant in disease. Therefore, it has been classified as a Variant of Uncertain Significance. Algorithms developed to predict the effect of missense changes on protein structure and function (SIFT, PolyPhen-2, Align-GVGD) all suggest that this variant is likely to be tolerated. This variant has not been reported in the literature in individuals affected with TFRC-related conditions. This variant is not present in population databases (gnomAD no frequency). This sequence change replaces valine, which is neutral and non-polar, with isoleucine, which is neutral and non-polar, at codon 192 of the TFRC protein (p.Val192Ile).